The following is an entry in ClinVar:

ClinVar aggregate classification (germline): Benign/Likely benign. Review status: criteria provided, multiple submitters, no conflicts (2 of 4 stars). 2 submissions from 2 submitters: Benign (1); Likely benign (1). Last evaluated 2025-11-22.

Allele frequency attached by ClinVar (database versions not stated): 1000 Genomes Project 0.00100; 1000 Genomes Project 30x 0.00109; gnomAD 0.00117; ExAC 0.00118; ESP Exome Variant Server 0.00131.
gnomAD v4.1: 1,560 of 1,613,536 alleles (0.097%); highest among the groups gnomAD compares: Middle Eastern, 0.89%; 4 homozygotes.

Submissions (2):

Labcorp Genetics (formerly Invitae), Labcorp
Classification: Benign. Last evaluated: 2025-11-22. Review status: criteria provided, single submitter. Criteria: Invitae Variant Classification Sherloc (09022015). Collection method: clinical testing. Allele origin: germline.

CeGaT Center for Human Genetics Tuebingen
Classification: Likely benign. Last evaluated: 2023-04-01. Review status: criteria provided, single submitter. Criteria: CeGaT Center For Human Genetics Tuebingen Variant Classification Criteria Version 2. Collection method: clinical testing. Allele origin: germline. Affected: yes. Observed: 2 variant alleles.
Comment: NYNRIN: BP4

NM_025081.3(NYNRIN):c.2944C>A (p.Pro982Thr)

Gene: NYNRIN (NYN domain and retroviral integrase containing; plus strand). Cytogenetic location: 14q12.
Variant type: single nucleotide variant.
Coding change: c.2944C>A on transcript NM_025081.3 (MANE Select); coding-DNA position 2944, C replaced by A.
Protein change: p.Pro982Thr; replaces proline 982 with threonine.
Molecular consequence: missense variant.
Genome position (GRCh38, 1-based): chr14:24,414,693, C>A. VCF-style: chr14-24414693-C-A. GRCh37 (hg19) VCF-style: chr14-24883899-C-A.
Other names: short protein forms P982T.
Identifiers: ClinVar variation 2644140 (VCV002644140.27), dbSNP rs181160538, ClinGen allele CA7137152.